The following is an entry in ClinVar:

ClinVar aggregate classification (germline): Uncertain significance. Review status: criteria provided, multiple submitters, no conflicts (2 of 4 stars). 2 submissions from 2 submitters: Uncertain significance (2). Last evaluated 2025-04-23.

Conditions:
Hypertrophic cardiomyopathy. Also called: HYPERTROPHIC MYOCARDIOPATHY. Identifiers: Orphanet 217569, MedGen C0007194, MeSH D002312, MONDO:0005045, HP:0001639.

Allele frequency attached by ClinVar (database versions not stated): gnomAD exomes below 0.00001; ExAC 0.00001; gnomAD 0.00001; TOPMed 0.00003.

Submissions (2):

Ambry Genetics
Classification: Uncertain significance. Last evaluated: 2025-04-23. Review status: criteria provided, single submitter. Criteria: Ambry Variant Classification Scheme 2023. Collection method: clinical testing. Allele origin: germline.
Comment: The p.S694P variant (also known as c.2080T>C), located in coding exon 14 of the MYOM1 gene, results from a T to C substitution at nucleotide position 2080. The serine at codon 694 is replaced by proline, an amino acid with similar properties. This amino acid position is conserved. In addition, this alteration is predicted to be deleterious by in silico analysis. Since supporting evidence is limited at this time, the clinical significance of this alteration remains unclear.

Labcorp Genetics (formerly Invitae), Labcorp
Classification: Uncertain significance for Hypertrophic cardiomyopathy. Last evaluated: 2024-03-27. Review status: criteria provided, single submitter. Criteria: Invitae Variant Classification Sherloc (09022015). Collection method: clinical testing. Allele origin: germline.
Comment: This sequence change replaces serine, which is neutral and polar, with proline, which is neutral and non-polar, at codon 694 of the MYOM1 protein (p.Ser694Pro). This variant is present in population databases (rs775000239, gnomAD 0.0009%). This variant has not been reported in the literature in individuals affected with MYOM1-related conditions. ClinVar contains an entry for this variant (Variation ID: 1011343). Advanced modeling of protein sequence and biophysical properties (such as structural, functional, and spatial information, amino acid conservation, physicochemical variation, residue mobility, and thermodynamic stability) has been performed at Invitae for this missense variant, however the output from this modeling did not meet the statistical confidence thresholds required to predict the impact of this variant on MYOM1 protein function. In summary, the available evidence is currently insufficient to determine the role of this variant in disease. Therefore, it has been classified as a Variant of Uncertain Significance.

NM_003803.4(MYOM1):c.2080T>C (p.Ser694Pro)

Gene: MYOM1 (myomesin 1; minus strand). Cytogenetic location: 18p11.31.
Variant type: single nucleotide variant.
Coding change: c.2080T>C on transcript NM_003803.4 (MANE Select); coding-DNA position 2080, T replaced by C.
Protein change: p.Ser694Pro; replaces serine 694 with proline.
Molecular consequence: missense variant.
Genome position (GRCh38, 1-based): chr18:3,135,676, A>G on the plus strand (T>C on the coding strand, the complement: MYOM1 is on the minus strand). VCF-style: chr18-3135676-A-G. GRCh37 (hg19) VCF-style: chr18-3135674-A-G.
Other names: c.2080T>C (NM_003803.3); c.2080T>C, p.Ser694Pro (NM_019856.2); short protein forms S694P.
Identifiers: ClinVar variation 1011343 (VCV001011343.11), dbSNP rs775000239, ClinGen allele CA8874749.